The following is an entry in ClinVar:

NM_003331.5(TYK2):c.1324C>T (p.Arg442Trp)

Gene: TYK2 (tyrosine kinase 2; minus strand). Cytogenetic location: 19p13.2.
Variant type: single nucleotide variant.
Coding change: c.1324C>T on transcript NM_003331.5 (MANE Select); coding-DNA position 1324, C replaced by T.
Protein change: p.Arg442Trp; replaces arginine 442 with tryptophan.
Molecular consequence: missense variant.
Genome position (GRCh38, 1-based): chr19:10,364,657, G>A on the plus strand (C>T on the coding strand, the complement: TYK2 is on the minus strand). VCF-style: chr19-10364657-G-A. GRCh37 (hg19) VCF-style: chr19-10475333-G-A.
Other names: c.1324C>T, p.Arg442Trp (NM_001385197.1, NM_001385198.1, NM_001385199.1 and 6 more transcripts); c.1126C>T, p.Arg376Trp (NM_001385201.1); c.1234C>T, p.Arg412Trp (NM_001385205.1); short protein forms R376W, R412W, R442W.
Identifiers: ClinVar variation 1036146 (VCV001036146.6), dbSNP rs762546704, ClinGen allele CA9193459.

ClinVar aggregate classification (germline): Uncertain significance (1 of 4 stars; one submission).

Conditions:
Immunodeficiency 35 (IMD35). Also called: HIES WITH ATYPICAL MYCOBACTERIOSIS, AUTOSOMAL RECESSIVE; HYPER-IgE SYNDROME WITH ATYPICAL MYCOBACTERIOSIS, AUTOSOMAL RECESSIVE; Susceptibility to infection due to TYK2 deficiency; TYK2 DEFICIENCY. Identifiers: Orphanet 331226, MedGen C1969086, MONDO:0012682, OMIM 611521.

Allele frequency attached by ClinVar (database versions not stated): gnomAD 0.00001; gnomAD exomes 0.00002; TOPMed 0.00002; ExAC 0.00003.
gnomAD v4.1: 38 of 1,613,796 alleles (0.0024%); highest among the groups gnomAD compares: Middle Eastern, 0.049%; no homozygotes.

Submission:

Labcorp Genetics (formerly Invitae), Labcorp
Classification: Uncertain significance for Immunodeficiency 35. Last evaluated: 2024-11-04. Review status: criteria provided, single submitter. Criteria: Invitae Variant Classification Sherloc (09022015). Collection method: clinical testing. Allele origin: germline.
Comment: This sequence change replaces arginine, which is basic and polar, with tryptophan, which is neutral and slightly polar, at codon 442 of the TYK2 protein (p.Arg442Trp). This variant is present in population databases (rs762546704, gnomAD 0.01%). This variant has not been reported in the literature in individuals affected with TYK2-related conditions. ClinVar contains an entry for this variant (Variation ID: 1036146). Invitae Evidence Modeling of protein sequence and biophysical properties (such as structural, functional, and spatial information, amino acid conservation, physicochemical variation, residue mobility, and thermodynamic stability) indicates that this missense variant is not expected to disrupt TYK2 protein function with a negative predictive value of 80%. In summary, the available evidence is currently insufficient to determine the role of this variant in disease. Therefore, it has been classified as a Variant of Uncertain Significance.